The following is an entry in ClinVar:

NM_000760.4(CSF3R):c.1072-2A>C

Gene: CSF3R (colony stimulating factor 3 receptor; minus strand). Cytogenetic location: 1p34.3.
Variant type: single nucleotide variant.
Coding change: c.1072-2A>C on transcript NM_000760.4 (MANE Select); the canonical splice acceptor site of the intron before coding-DNA position 1072, A replaced by C.
Molecular consequence: splice acceptor variant.
Genome position (GRCh38, 1-based): chr1:36,471,648, T>G on the plus strand (A>C on the coding strand, the complement: CSF3R is on the minus strand). VCF-style: chr1-36471648-T-G. GRCh37 (hg19) VCF-style: chr1-36937249-T-G.
Other names: c.1072-2A>C (NM_156039.3, NM_172313.3).
Identifiers: ClinVar variation 4725171 (VCV004725171.1).

ClinVar aggregate classification (germline): Likely pathogenic (1 of 4 stars; one submission).

Conditions:
Autosomal recessive severe congenital neutropenia due to CSF3R deficiency. Also called: Neutropenia, severe congenital, 7, autosomal recessive. Identifiers: Orphanet 420702, MedGen C4310764, MONDO:0014865, OMIM 617014.

Submission:

Labcorp Genetics (formerly Invitae), Labcorp
Classification: Likely pathogenic for Autosomal recessive severe congenital neutropenia due to CSF3R deficiency. Last evaluated: 2025-10-13. Review status: criteria provided, single submitter. Criteria: Invitae Variant Classification Sherloc (09022015). Collection method: clinical testing. Allele origin: germline.
Comment: This sequence change affects an acceptor splice site in intron 9 of the CSF3R gene. It is expected to disrupt RNA splicing. Variants that disrupt the donor or acceptor splice site typically lead to a loss of protein function (PMID: 16199547), and loss-of-function variants in CSF3R are known to be pathogenic (PMID: 24753537, 26324699). This variant is not present in population databases (gnomAD no frequency). This variant has not been reported in the literature in individuals affected with CSF3R-related conditions. Algorithms developed to predict the effect of sequence changes on RNA splicing suggest that this variant may disrupt the consensus splice site. In summary, the currently available evidence indicates that the variant is pathogenic, but additional data are needed to prove that conclusively. Therefore, this variant has been classified as Likely Pathogenic.

Literature cited by the submitters: PubMed 16199547; PubMed 24753537; PubMed 26324699.